The following is an entry in ClinVar:

NM_016042.4(EXOSC3):c.684G>C (p.Glu228Asp)

Gene: EXOSC3 (exosome component 3; minus strand). Cytogenetic location: 9p13.2.
Variant type: single nucleotide variant.
Coding change: c.684G>C on transcript NM_016042.4 (MANE Select); coding-DNA position 684, G replaced by C.
Protein change: p.Glu228Asp; replaces glutamic acid 228 with aspartic acid.
Molecular consequence: missense variant. On other transcripts: 3 prime UTR variant (1).
Genome position (GRCh38, 1-based): chr9:37,780,823, C>G on the plus strand (G>C on the coding strand, the complement: EXOSC3 is on the minus strand). VCF-style: chr9-37780823-C-G. GRCh37 (hg19) VCF-style: chr9-37780820-C-G.
Other names: c.*37G>C (NM_001002269.2); short protein forms E228D.
Identifiers: ClinVar variation 4536498 (VCV004536498.1).

ClinVar aggregate classification (germline): Uncertain significance (1 of 4 stars; one submission).

Submission:

GeneDx
Classification: Uncertain significance. Last evaluated: 2025-06-05. Review status: criteria provided, single submitter. Criteria: GeneDx Variant Classification Process June 2021. Collection method: clinical testing. Allele origin: germline. Affected: yes.
Comment: Not observed at significant frequency in large population cohorts (gnomAD); In silico analysis supports that this missense variant has a deleterious effect on protein structure/function; Has not been previously published as pathogenic or benign to our knowledge